The following is an entry in ClinVar:

NM_016203.4(PRKAG2):c.186+12T>C

Gene: PRKAG2 (protein kinase AMP-activated non-catalytic subunit gamma 2; minus strand). Cytogenetic location: 7q36.1.
Variant type: single nucleotide variant.
Coding change: c.186+12T>C on transcript NM_016203.4 (MANE Select); 12 bases into the intron after coding-DNA position 186, T replaced by C.
Molecular consequence: intron variant.
Genome position (GRCh38, 1-based): chr7:151,786,458, A>G on the plus strand (T>C on the coding strand, the complement: PRKAG2 is on the minus strand). VCF-style: chr7-151786458-A-G. GRCh37 (hg19) VCF-style: chr7-151483544-A-G.
Other names: c.54+12T>C (NM_001040633.2).
Identifiers: ClinVar variation 391155 (VCV000391155.4), dbSNP rs374155169, ClinGen allele CA056273.

ClinVar aggregate classification (germline): Likely benign. Review status: criteria provided, multiple submitters, no conflicts (2 of 4 stars). 3 submissions from 3 submitters: Likely benign (3). Last evaluated 2025-06-13.

Conditions:
Lethal congenital glycogen storage disease of heart. Also called: GLYCOGEN STORAGE DISEASE OF HEART; PHOSPHORYLASE KINASE DEFICIENCY OF HEART. Identifiers: Orphanet 439854, MedGen C1849813, MONDO:0009867, OMIM 261740.

Allele frequency attached by ClinVar (database versions not stated): gnomAD exomes below 0.00001; ExAC 0.00001; gnomAD 0.00001; TOPMed 0.00004; ESP Exome Variant Server 0.00008.
gnomAD v4.1: 3 of 1,606,700 alleles (0.00019%); highest among the groups gnomAD compares: African/African-American, 0.0027%; no homozygotes.

Submissions (3):

Labcorp Genetics (formerly Invitae), Labcorp
Classification: Likely benign for Lethal congenital glycogen storage disease of heart. Last evaluated: 2025-06-13. Review status: criteria provided, single submitter. Criteria: Invitae Variant Classification Sherloc (09022015). Collection method: clinical testing. Allele origin: germline.

ARUP Laboratories, Molecular Genetics and Genomics, ARUP Laboratories
Classification: Likely benign. Last evaluated: 2023-08-17. Review status: criteria provided, single submitter. Criteria: ARUP Molecular Germline Variant Investigation Process 2024. Collection method: clinical testing. Allele origin: germline.

GeneDx
Classification: Likely benign. Last evaluated: 2016-11-28. Review status: criteria provided, single submitter. Criteria: GeneDx Variant Classification (06012015). Collection method: clinical testing. Allele origin: germline. Affected: yes.
Comment: This variant is considered likely benign or benign based on one or more of the following criteria: it is a conservative change, it occurs at a poorly conserved position in the protein, it is predicted to be benign by multiple in silico algorithms, and/or has population frequency not consistent with disease.